The following is an entry in ClinVar:

NM_025081.3(NYNRIN):c.648C>T (p.Ser216=)

Gene: NYNRIN (NYN domain and retroviral integrase containing; plus strand). Cytogenetic location: 14q12.
Variant type: single nucleotide variant.
Coding change: c.648C>T on transcript NM_025081.3 (MANE Select); coding-DNA position 648, C replaced by T.
Protein change: p.Ser216=; no amino-acid change (serine 216 retained).
Molecular consequence: synonymous variant.
Genome position (GRCh38, 1-based): chr14:24,408,318, C>T. VCF-style: chr14-24408318-C-T. GRCh37 (hg19) VCF-style: chr14-24877524-C-T.
Identifiers: ClinVar variation 3709079 (VCV003709079.2).
Genomic context (GRCh38, chr14:24,408,318, plus strand): 5'-TGCGGGCAAGGAAGACATCATCGAGTGGCTCAGCCGCTTCGGCATCTCTGACTCCCACTC[C>T]GATCCGGAGGTTCTAATCTGCCCTCCCCAGCAGCAGAAGGAAGCCCCAGCCATGGTGTCC-3'
Protein context (NP_079357.2, residues 206-226): LSRFGISDSH[Ser216=]DPEVLICPPQ

ClinVar aggregate classification (germline): Uncertain significance (1 of 4 stars; one submission).

gnomAD v4.1: 7 of 1,613,452 alleles (0.00043%); highest among the groups gnomAD compares: African/African-American, 0.0013%; no homozygotes.

Submission:

Labcorp Genetics (formerly Invitae), Labcorp
Classification: Uncertain significance. Last evaluated: 2024-10-27. Review status: criteria provided, single submitter. Criteria: Invitae Variant Classification Sherloc (09022015). Collection method: clinical testing. Allele origin: germline.
Comment: This sequence change replaces serine, which is neutral and polar, with serine, which is neutral and polar, at codon 216 of the NYNRIN protein (Silent). This variant is not present in population databases (gnomAD no frequency). This variant has not been reported in the literature in individuals affected with NYNRIN-related conditions. In summary, the available evidence is currently insufficient to determine the role of this variant in disease. Therefore, it has been classified as a Variant of Uncertain Significance.